The following is an entry in ClinVar:

ClinVar aggregate classification (germline): Benign/Likely benign. Review status: criteria provided, multiple submitters, no conflicts (2 of 4 stars). 2 submissions from 2 submitters: Benign (1); Likely benign (1). Last evaluated 2022-03-01.

Allele frequency attached by ClinVar (database versions not stated): TOPMed 0.00002; 1000 Genomes Project 30x 0.00062; 1000 Genomes Project 0.00080.
gnomAD v4.1: 573 of 1,614,148 alleles (0.035%); highest among the groups gnomAD compares: East Asian, 1.3%; 10 homozygotes.

Submissions (2):

Women's Health and Genetics/Laboratory Corporation of America, LabCorp
Classification: Benign. Last evaluated: 2022-03-01. Review status: criteria provided, single submitter. Criteria: LabCorp Variant Classification Summary - May 2015. Collection method: clinical testing. Allele origin: germline.
Comment: Variant summary: DCPS c.574G>C (p.Glu192Gln) results in a conservative amino acid change in the encoded protein sequence. Four of five in-silico tools predict a damaging effect of the variant on protein function. The variant allele was found at a frequency of 0.0003 in 251492 control chromosomes, predominantly at a frequency of 0.0041 within the East Asian subpopulation in the gnomAD database, including 1 homozygote. However, in certain subpopulations, the variant was found at a much higher frequency, e.g. in the Korean (~1.8%, gnomAD) and in the Japanese (~2%, jMorp database), suggesting that the variant could be a benign polymorphism. To our knowledge, no occurrence of c.574G>C in individuals affected with Al-Raqad Syndrome and no experimental evidence demonstrating its impact on protein function have been reported. One clinical diagnostic laboratory has submitted clinical-significance assessments for this variant to ClinVar after 2014 without evidence for independent evaluation, and classified the variant as likely benign. Based on the evidence outlined above, the variant was classified as benign.

Labcorp Genetics (formerly Invitae), Labcorp
Classification: Likely benign. Last evaluated: 2018-08-22. Review status: criteria provided, single submitter. Criteria: Invitae Variant Classification Sherloc (09022015). Collection method: clinical testing. Allele origin: germline.

NM_014026.6(DCPS):c.574G>C (p.Glu192Gln)

Gene: DCPS (decapping enzyme, scavenger; plus strand). Cytogenetic location: 11q24.2.
Variant type: single nucleotide variant.
Coding change: c.574G>C on transcript NM_014026.6 (MANE Select); coding-DNA position 574, G replaced by C.
Protein change: p.Glu192Gln; replaces glutamic acid 192 with glutamine.
Molecular consequence: missense variant.
Genome position (GRCh38, 1-based): chr11:126,338,337, G>C. VCF-style: chr11-126338337-G-C. GRCh37 (hg19) VCF-style: chr11-126208232-G-C.
Other names: c.595G>C, p.Glu199Gln (NM_001350236.2); short protein forms E199Q, E192Q.
Identifiers: ClinVar variation 732222 (VCV000732222.4), dbSNP rs139170738, ClinGen allele CA6355045.